The following is an entry in ClinVar:

NM_014159.7(SETD2):c.2972A>C (p.His991Pro)

Gene: SETD2 (SET domain containing 2, histone lysine methyltransferase; minus strand). Cytogenetic location: 3p21.31.
Variant type: single nucleotide variant.
Coding change: c.2972A>C on transcript NM_014159.7 (MANE Select); coding-DNA position 2972, A replaced by C.
Protein change: p.His991Pro; replaces histidine 991 with proline.
Molecular consequence: missense variant. On other transcripts: non-coding transcript variant (1).
Genome position (GRCh38, 1-based): chr3:47,121,664, T>G on the plus strand (A>C on the coding strand, the complement: SETD2 is on the minus strand). VCF-style: chr3-47121664-T-G. GRCh37 (hg19) VCF-style: chr3-47163154-T-G.
Other names: c.2840A>C, p.His947Pro (NM_001349370.3); short protein forms H947P, H991P.
Identifiers: ClinVar variation 2748257 (VCV002748257.4), dbSNP rs2043094258, ClinGen allele CA352524289.

ClinVar aggregate classification (germline): Uncertain significance. Review status: criteria provided, multiple submitters, no conflicts (2 of 4 stars). 2 submissions from 2 submitters: Uncertain significance (2). Last evaluated 2023-11-27.

Conditions:
Luscan-Lumish syndrome. Identifiers: Orphanet 597738, MedGen C4085873, MONDO:0014791, OMIM 616831.

Submissions (2):

Blueprint Genetics
Classification: Uncertain significance. Last evaluated: 2023-11-27. Review status: criteria provided, single submitter. Criteria: ACMG Guidelines, 2015. Collection method: clinical testing. Allele origin: germline.

Labcorp Genetics (formerly Invitae), Labcorp
Classification: Uncertain significance for Luscan-Lumish syndrome. Last evaluated: 2023-07-29. Review status: criteria provided, single submitter. Criteria: Invitae Variant Classification Sherloc (09022015). Collection method: clinical testing. Allele origin: germline.
Comment: In summary, the available evidence is currently insufficient to determine the role of this variant in disease. Therefore, it has been classified as a Variant of Uncertain Significance. Advanced modeling of protein sequence and biophysical properties (such as structural, functional, and spatial information, amino acid conservation, physicochemical variation, residue mobility, and thermodynamic stability) performed at Invitae indicates that this missense variant is not expected to disrupt SETD2 protein function. This variant has not been reported in the literature in individuals affected with SETD2-related conditions. This variant is not present in population databases (gnomAD no frequency). This sequence change replaces histidine, which is basic and polar, with proline, which is neutral and non-polar, at codon 991 of the SETD2 protein (p.His991Pro).